The following is an entry in ClinVar:

ClinVar aggregate classification (germline): Uncertain significance (1 of 4 stars; one submission).

Submission:

Labcorp Genetics (formerly Invitae), Labcorp
Classification: Uncertain significance. Last evaluated: 2025-02-03. Review status: criteria provided, single submitter. Criteria: Invitae Variant Classification Sherloc (09022015). Collection method: clinical testing. Allele origin: germline.
Comment: This sequence change replaces valine, which is neutral and non-polar, with aspartic acid, which is acidic and polar, at codon 513 of the ABCA4 protein (p.Val513Asp). This variant is not present in population databases (gnomAD no frequency). This missense change has been observed in individual(s) with retinal disease (PMID: 38219857). ClinVar contains an entry for this variant (Variation ID: 2091130). Invitae Evidence Modeling of protein sequence and biophysical properties (such as structural, functional, and spatial information, amino acid conservation, physicochemical variation, residue mobility, and thermodynamic stability) has been performed for this missense variant. However, the output from this modeling did not meet the statistical confidence thresholds required to predict the impact of this variant on ABCA4 protein function. In summary, the available evidence is currently insufficient to determine the role of this variant in disease. Therefore, it has been classified as a Variant of Uncertain Significance.

Literature cited by the submitters: PubMed 38219857.

NM_000350.3(ABCA4):c.1538T>A (p.Val513Asp)

Gene: ABCA4 (ATP binding cassette subfamily A member 4; minus strand). Cytogenetic location: 1p22.1.
Variant type: single nucleotide variant.
Coding change: c.1538T>A on transcript NM_000350.3 (MANE Select); coding-DNA position 1538, T replaced by A.
Protein change: p.Val513Asp; replaces valine 513 with aspartic acid.
Molecular consequence: missense variant.
Genome position (GRCh38, 1-based): chr1:94,077,706, A>T on the plus strand (T>A on the coding strand, the complement: ABCA4 is on the minus strand). VCF-style: chr1-94077706-A-T. GRCh37 (hg19) VCF-style: chr1-94543262-A-T.
Other names: c.1538T>A, p.Val513Asp (NM_001425324.1); short protein forms V513D.
Identifiers: ClinVar variation 2091130 (VCV002091130.4), dbSNP rs750393418, ClinGen allele CA341281824.